The following is an entry in ClinVar:

ClinVar aggregate classification (germline): Uncertain significance. Review status: criteria provided, multiple submitters, no conflicts (2 of 4 stars). 2 submissions from 2 submitters: Uncertain significance (2). Last evaluated 2024-12-28.

Conditions:
Inborn genetic diseases. Identifiers: MedGen C0950123, MeSH D030342.
T-cell immunodeficiency, congenital alopecia, and nail dystrophy. Also called: Congenital alopecia and nail dystrophy associated with severe functional T-cell immunodeficiency; Pignata Guarino syndrome. Identifiers: Orphanet 169095, MedGen C1866426, MONDO:0011132, OMIM 601705.

Allele frequency attached by ClinVar (database versions not stated): gnomAD 0.00001; TOPMed 0.00002; ExAC 0.00005; ESP Exome Variant Server 0.00008; 1000 Genomes Project 0.00020; 1000 Genomes Project 30x 0.00031.
gnomAD v4.1: 17 of 1,613,696 alleles (0.0011%); highest among the groups gnomAD compares: Admixed American, 0.015%; no homozygotes.

Submissions (2):

Labcorp Genetics (formerly Invitae), Labcorp
Classification: Uncertain significance for T-cell immunodeficiency, congenital alopecia, and nail dystrophy. Last evaluated: 2024-12-28. Review status: criteria provided, single submitter. Criteria: Invitae Variant Classification Sherloc (09022015). Collection method: clinical testing. Allele origin: germline.
Comment: This sequence change replaces valine, which is neutral and non-polar, with methionine, which is neutral and non-polar, at codon 165 of the FOXN1 protein (p.Val165Met). This variant is present in population databases (rs142223881, gnomAD 0.02%). This variant has not been reported in the literature in individuals affected with FOXN1-related conditions. ClinVar contains an entry for this variant (Variation ID: 2046338). Invitae Evidence Modeling of protein sequence and biophysical properties (such as structural, functional, and spatial information, amino acid conservation, physicochemical variation, residue mobility, and thermodynamic stability) indicates that this missense variant is not expected to disrupt FOXN1 protein function with a negative predictive value of 80%. In summary, the available evidence is currently insufficient to determine the role of this variant in disease. Therefore, it has been classified as a Variant of Uncertain Significance.

Ambry Genetics
Classification: Uncertain significance for Inborn genetic diseases. Last evaluated: 2022-04-12. Review status: criteria provided, single submitter. Criteria: Ambry Variant Classification Scheme 2023. Collection method: clinical testing. Allele origin: germline.

NM_001369369.1(FOXN1):c.493G>A (p.Val165Met)

Gene: FOXN1 (forkhead box N1; plus strand). Cytogenetic location: 17q11.2.
Variant type: single nucleotide variant.
Coding change: c.493G>A on transcript NM_001369369.1 (MANE Select); coding-DNA position 493, G replaced by A.
Protein change: p.Val165Met; replaces valine 165 with methionine.
Molecular consequence: missense variant.
Genome position (GRCh38, 1-based): chr17:28,524,872, G>A. VCF-style: chr17-28524872-G-A. GRCh37 (hg19) VCF-style: chr17-26851890-G-A.
Other names: c.493G>A, p.Val165Met (NM_003593.3); short protein forms V165M.
Identifiers: ClinVar variation 2046338 (VCV002046338.3), dbSNP rs142223881, ClinGen allele CA8459241.
Genomic context (GRCh38, chr17:28,524,872, plus strand): 5'-AAAGGACACTCCTTTAAGACCCCAGGGCCGCTGGAGGCCTTCGAGGAGATCCCAGTGGAC[G>A]TGGCGGAGGCCGAGGCCTTCCTGCCTGGCTTCTCAGCAGAGGCCTGGTGTAACGGGCTCC-3'
Protein context (NP_001356298.1, residues 155-175): LEAFEEIPVD[Val165Met]AEAEAFLPGF